The following is an entry in ClinVar:

NM_000350.3(ABCA4):c.5759A>T (p.Asp1920Val)

Gene: ABCA4 (ATP binding cassette subfamily A member 4; minus strand). Cytogenetic location: 1p22.1.
Variant type: single nucleotide variant.
Coding change: c.5759A>T on transcript NM_000350.3 (MANE Select); coding-DNA position 5759, A replaced by T.
Protein change: p.Asp1920Val; replaces aspartic acid 1920 with valine.
Molecular consequence: missense variant.
Genome position (GRCh38, 1-based): chr1:94,008,827, T>A on the plus strand (A>T on the coding strand, the complement: ABCA4 is on the minus strand). VCF-style: chr1-94008827-T-A. GRCh37 (hg19) VCF-style: chr1-94474383-T-A.
Other names: c.5537A>T, p.Asp1846Val (NM_001425324.1); short protein forms D1920V, D1846V.
Identifiers: ClinVar variation 2061153 (VCV002061153.7), dbSNP rs985680910, ClinGen allele CA26837305.

ClinVar aggregate classification (germline): Uncertain significance. Review status: criteria provided, multiple submitters, no conflicts (2 of 4 stars). 3 submissions from 3 submitters: Uncertain significance (3). Last evaluated 2023-05-22.

Conditions:
Age related macular degeneration 2. Also called: MACULAR DEGENERATION, SENILE; MACULOPATHY, AGE-RELATED, 2; MACULOPATHY, AGE-RELATED. Identifiers: MedGen C3495438, MONDO:0007932, OMIM 153800.
Severe early-childhood-onset retinal dystrophy (STGD1). Also called: MACULAR DYSTROPHY WITH FLECKS, TYPE 1; STGD; Stargardt macular dystrophy; Juvenile onset macular degeneration; Stargardt disease 1. Identifiers: Orphanet 364055, Orphanet 827, MedGen C1855465, MeSH D000080362, MONDO:0009549, OMIM 248200.
Retinitis pigmentosa 19 (RP19). Also called: ABCA4-Related Retinitis Pigmentosa. Identifiers: Orphanet 791, MedGen C1866422, MONDO:0011137, OMIM 601718.
Cone-rod dystrophy 3 (CORD3). Identifiers: Orphanet 1872, MedGen C1858806, MONDO:0011395, OMIM 604116.

Allele frequency attached by ClinVar (database versions not stated): gnomAD exomes below 0.00001; gnomAD 0.00001.
gnomAD v4.1: 2 of 1,613,588 alleles (0.00012%); highest among the groups gnomAD compares: African/African-American, 0.0013%; no homozygotes.

Submissions (3):

Labcorp Genetics (formerly Invitae), Labcorp
Classification: Uncertain significance. Last evaluated: 2023-05-22. Review status: criteria provided, single submitter. Criteria: Invitae Variant Classification Sherloc (09022015). Collection method: clinical testing. Allele origin: germline.
Comment: This variant is present in population databases (no rsID available, gnomAD 0.01%). This sequence change replaces aspartic acid, which is acidic and polar, with valine, which is neutral and non-polar, at codon 1920 of the ABCA4 protein (p.Asp1920Val). This variant has not been reported in the literature in individuals affected with ABCA4-related conditions. ClinVar contains an entry for this variant (Variation ID: 2061153). Advanced modeling of protein sequence and biophysical properties (such as structural, functional, and spatial information, amino acid conservation, physicochemical variation, residue mobility, and thermodynamic stability) performed at Invitae indicates that this missense variant is expected to disrupt ABCA4 protein function. In summary, the available evidence is currently insufficient to determine the role of this variant in disease. Therefore, it has been classified as a Variant of Uncertain Significance.

Blueprint Genetics
Classification: Uncertain significance. Last evaluated: 2022-06-17. Review status: criteria provided, single submitter. Criteria: ACMG Guidelines, 2015. Collection method: clinical testing. Allele origin: germline.

Juno Genomics, Hangzhou Juno Genomics, Inc
Classification: Uncertain significance for Age related macular degeneration 2; Cone-rod dystrophy 3; Severe early-childhood-onset retinal dystrophy; Retinitis pigmentosa 19. Review status: criteria provided, single submitter. Criteria: ACMG Guidelines, 2015. Collection method: clinical testing. Allele origin: germline.
Comment: Absent from controls (or at extremely low frequency if recessive) in Genome Aggregation Database.;Multiple lines of computational evidence support a deleterious effect on the gene or gene product.